The following is an entry in ClinVar:

GRCh37/hg19 1p36.32-36.23(chr1:4815557-8695886)x1

Genes: ACOT7 (acyl-CoA thioesterase 7; minus strand), AJAP1 (adherens junctions associated protein 1; plus strand), CAMTA1 (calmodulin binding transcription activator 1; plus strand), CHD5 (chromodomain helicase DNA binding protein 5; minus strand), DNAJC11 (DnaJ heat shock protein family (Hsp40) member C11; minus strand) and 25 more. Cytogenetic location: 1p36.32-36.23.
Variant type: copy number loss.
Change: copy number 1 (one copy instead of two) of chr1:4,815,557-8,695,886 (3.88 Mb, GRCh37 coordinates, 1-based), cytogenetic band 1p36.32-36.23.
Identifiers: ClinVar variation 4682503 (VCV004682503.1).

ClinVar aggregate classification (germline): Pathogenic (1 of 4 stars; one submission).

Submission:

Quest Diagnostics Nichols Institute San Juan Capistrano
Classification: Pathogenic. Last evaluated: 2025-04-16. Review status: criteria provided, single submitter. Criteria: ACMG/ClinGen CNV Guidelines, 2019. Collection method: clinical testing. Allele origin: unknown.
Comment: This deletion involves at least 30 protein-coding genes. This deletion partially overlaps the recurrent 1p36 terminal region (ISCA-37434) (Jordan 2015) and contains the critical region of the proximal 1p36 deletion syndrome (OMIM 619343) (Jacquin 2023, Jordan 2015, Shimada 2015). Additionally, haploinsufficiency of CAMTA1 is associated with autosomal dominant cerebellar dysfunction with variable cognitive and behavioral abnormalities (CECBA; OMIM 614756; CCID:006783; Al-Kateb 2024). There are no similar copy number losses of this region in the general populations of the Database of Genomic Variants. Therefore, based on gene content and current medical literature, this copy number variant (CNV) is classified as pathogenic. References: Al-Kateb et al., Clin Genet. 2024 Mar;105(3):294-301. PMID: 38044714 Jacquin et al., Am J Med Genet A. 2023 Feb;191(2):445-458. PMID: 36369750 Jordan et al., Appl Clin Genet. 2015 Aug 27;8:189-200. PMID: 26345236 Shimada et al., Brain Dev. 2015 May;37(5):515-26. PMID: 25172301